The following is an entry in ClinVar:

NM_000390.4(CHM):c.1359C>T (p.Ser453=)

Gene: CHM (CHM Rab escort protein; minus strand). Cytogenetic location: Xq21.2.
Variant type: single nucleotide variant.
Coding change: c.1359C>T on transcript NM_000390.4 (MANE Select); coding-DNA position 1359, C replaced by T.
Protein change: p.Ser453=; no amino-acid change (serine 453 retained).
Molecular consequence: synonymous variant.
Genome position (GRCh38, 1-based): chrX:85,900,700, G>A on the plus strand (C>T on the coding strand, the complement: CHM is on the minus strand). VCF-style: chrX-85900700-G-A. GRCh37 (hg19) VCF-style: chrX-85155705-G-A.
Other names: c.1359C>T (NM_000390.3); c.915C>T, p.Ser305= (NM_001320959.1, NM_001362517.1, NM_001362518.2 and 1 more transcripts).
Identifiers: ClinVar variation 1303896 (VCV001303896.7), dbSNP rs2148153518, ClinGen allele CA517493782.

ClinVar aggregate classification (germline): Conflicting classifications of pathogenicity. Review status: criteria provided, conflicting classifications (1 of 4 stars). 3 submissions from 3 submitters: Pathogenic (2); Uncertain significance (1). Last evaluated 2023-11-03.

Conditions:
Choroideremia. Also called: Chorioretinal scalloped atrophy. Identifiers: Orphanet 180, MedGen C0008525, MONDO:0010557, OMIM 303100, HP:0001139.

Submissions (3):

Edmonton Ocular Genetics, Alberta Health Services
Classification: Pathogenic for Choroideremia. Last evaluated: 2023-11-03. Review status: criteria provided, single submitter. Criteria: ACMG Guidelines, 2015. Collection method: research. Allele origin: maternal. Affected: yes. Observed: 2 variant alleles.
Comment: We showed by siRNA knock-down of hnRNP A1 increses normal splicing; the variant creates an hnRNP A1 binding site resulting in exon skipping.

Labcorp Genetics (formerly Invitae), Labcorp
Classification: Pathogenic. Last evaluated: 2023-03-03. Review status: criteria provided, single submitter. Criteria: Invitae Variant Classification Sherloc (09022015). Collection method: clinical testing. Allele origin: germline.
Comment: This sequence change affects codon 453 of the CHM mRNA. It is a 'silent' change, meaning that it does not change the encoded amino acid sequence of the CHM protein. This variant is not present in population databases (gnomAD no frequency). This variant has been observed in individual(s) with choroideremia (PMID: 29045269, 32097478). ClinVar contains an entry for this variant (Variation ID: 1303896). Studies have shown that this variant is associated with altered splicing resulting in multiple RNA products (PMID: 32097478). For these reasons, this variant has been classified as Pathogenic.

GeneDx
Classification: Uncertain significance. Last evaluated: 2019-11-22. Review status: criteria provided, single submitter. Criteria: GeneDx Variant Classification Process June 2021. Collection method: clinical testing. Allele origin: germline. Affected: yes.
Comment: Not observed in large population cohorts (Lek et al., 2016); In silico analysis, which includes splice predictors and evolutionary conservation, supports that this variant does not alter protein structure/function; This variant is associated with the following publications: (PMID: 31181178, 32097478, 29045269)

Literature cited by the submitters: PubMed 29045269 (cited by Labcorp Genetics (formerly Invitae), Labcorp); PubMed 32097478 (cited by Labcorp Genetics (formerly Invitae), Labcorp).